The following is an entry in ClinVar:

NM_175914.5(HNF4A):c.50-3351C>A

Gene: HNF4A (hepatocyte nuclear factor 4 alpha; plus strand). Cytogenetic location: 20q13.12.
Variant type: single nucleotide variant.
Coding change: c.50-3351C>A on transcript NM_175914.5 (MANE Select); 3351 bases into the intron before coding-DNA position 50, C replaced by A.
Molecular consequence: intron variant.
Genome position (GRCh38, 1-based): chr20:44,402,707, C>A. VCF-style: chr20-44402707-C-A. GRCh37 (hg19) VCF-style: chr20-43031347-C-A.
Other names: c.41-3351C>A (NM_001287182.2, NM_001287183.2, NM_001287184.2); c.50-3351C>A (NM_001030003.3, NM_001030004.3); c.94+63C>A (NM_001258355.2); c.115+1220C>A (NM_178849.3, NM_000457.6, NM_178850.3).
Identifiers: ClinVar variation 4533473 (VCV004533473.6).

ClinVar aggregate classification (germline): Benign (1 of 4 stars; one submission).

Submission:

CeGaT Center for Human Genetics Tuebingen
Classification: Benign. Last evaluated: 2026-07-01. Review status: criteria provided, single submitter. Criteria: CeGaT Center For Human Genetics Tuebingen Variant Classification Criteria Version 2. Collection method: clinical testing. Allele origin: germline. Affected: yes. Observed: 7 variant alleles.
Comment: HNF4A: BS1, BS2